The following is an entry in ClinVar:

ClinVar aggregate classification (germline): Uncertain significance (1 of 4 stars; one submission).

Conditions:
Cystic fibrosis (CF). Also called: MUCOVISCIDOSIS. Identifiers: Orphanet 586, MedGen C0010674, MONDO:0009061, OMIM 219700. Disease mechanism: loss of function.

Submission:

Ambry Genetics
Classification: Uncertain significance for Cystic fibrosis. Last evaluated: 2026-02-24. Review status: criteria provided, single submitter. Criteria: Ambry Variant Classification Scheme 2023. Collection method: clinical testing. Allele origin: germline.
Comment: The p.D806V variant (also known as c.2417A>T), located in coding exon 14 of the CFTR gene, results from an A to T substitution at nucleotide position 2417. The aspartic acid at codon 806 is replaced by valine, an amino acid with highly dissimilar properties. This amino acid position is conserved. In addition, this alteration is predicted to be deleterious by in silico analysis. Based on the available evidence, the clinical significance of this variant remains unclear.

NM_000492.4(CFTR):c.2417A>T (p.Asp806Val)

Gene: CFTR (CF transmembrane conductance regulator; plus strand). Cytogenetic location: 7q31.2.
Variant type: single nucleotide variant.
Coding change: c.2417A>T on transcript NM_000492.4 (MANE Select); coding-DNA position 2417, A replaced by T.
Protein change: p.Asp806Val; replaces aspartic acid 806 with valine.
Molecular consequence: missense variant.
Genome position (GRCh38, 1-based): chr7:117,592,584, A>T. VCF-style: chr7-117592584-A-T. GRCh37 (hg19) VCF-style: chr7-117232638-A-T.
Other names: short protein forms D806V.
Identifiers: ClinVar variation 4827533 (VCV004827533.1).
Genomic context (GRCh38, chr7:117,592,584, plus strand): 5'-AGACAACAGCATCCACACGAAAAGTGTCACTGGCCCCTCAGGCAAACTTGACTGAACTGG[A>T]TATATATTCAAGAAGGTTATCTCAAGAAACTGGCTTGGAAATAAGTGAAGAAATTAACGA-3'
Protein context (NP_000483.3, residues 796-816): LAPQANLTEL[Asp806Val]IYSRRLSQET